The following is an entry in ClinVar:

ClinVar aggregate classification (germline): Conflicting classifications of pathogenicity. Review status: criteria provided, conflicting classifications (1 of 4 stars). 2 submissions from 2 submitters: Likely pathogenic (1); Uncertain significance (1). Last evaluated 2025-07-25.

Conditions:
MPI-congenital disorder of glycosylation. Also called: CONGENITAL DISORDER OF GLYCOSYLATION, TYPE Ib; CDG Ib; MPI DEFICIENCY; MPI-CDG; MANNOSEPHOSPHATE ISOMERASE DEFICIENCY; PROTEIN-LOSING ENTEROPATHY-HEPATIC FIBROSIS SYNDROME. Identifiers: Orphanet 79319, MedGen C1865145, MONDO:0011257, OMIM 602579.

Allele frequency attached by ClinVar (database versions not stated): TOPMed below 0.00001; ExAC 0.00001; gnomAD 0.00001; gnomAD exomes 0.00001; 1000 Genomes Project 30x 0.00016; 1000 Genomes Project 0.00020.
gnomAD v4.1: 16 of 1,614,202 alleles (0.00099%); highest among the groups gnomAD compares: Admixed American, 0.0033%; no homozygotes.

Submissions (2):

Myriad Genetics, Inc.
Classification: Uncertain significance for MPI-congenital disorder of glycosylation. Last evaluated: 2025-07-25. Review status: criteria provided, single submitter. Criteria: Myriad Autosomal Dominant, Autosomal Recessive and X-Linked Classification Criteria (2023). Collection method: clinical testing. Allele origin: unknown.
Comment: NM_002435.1(MPI):c.391G>A(D131N) is a missense variant classified as a variant of uncertain significance in the context of congenital disorder of glycosylation, MPI-related. D131N has been observed in cases with relevant disease (PMID: 32963965, 12357336). Relevant functional assessments of this variant are not available in the literature. D131N has been observed in referenced population frequency databases. In summary, there is insufficient evidence to classify NM_002435.1(MPI):c.391G>A(D131N) as pathogenic or benign. Please note: this variant was assessed in the context of healthy population screening.

Fulgent Genetics
Classification: Likely pathogenic for MPI-congenital disorder of glycosylation. Last evaluated: 2024-04-25. Review status: criteria provided, single submitter. Criteria: ACMG Guidelines, 2015. Collection method: clinical testing. Allele origin: germline.

Literature cited by the submitters: PubMed 12357336 (cited by Myriad Genetics, Inc.); PubMed 32963965 (cited by Myriad Genetics, Inc.).

NM_002435.3(MPI):c.391G>A (p.Asp131Asn)

Gene: MPI (mannose phosphate isomerase; plus strand). Cytogenetic location: 15q24.1.
Variant type: single nucleotide variant.
Coding change: c.391G>A on transcript NM_002435.3 (MANE Select); coding-DNA position 391, G replaced by A.
Protein change: p.Asp131Asn; replaces aspartic acid 131 with asparagine.
Molecular consequence: missense variant.
Genome position (GRCh38, 1-based): chr15:74,892,706, G>A. VCF-style: chr15-74892706-G-A. GRCh37 (hg19) VCF-style: chr15-75185047-G-A.
Other names: c.391G>A, p.Asp131Asn (NM_001289155.2, NM_001289157.2); c.241G>A, p.Asp81Asn (NM_001289156.2); c.331G>A, p.Asp111Asn (NM_001330372.2); short protein forms D111N, D131N, D81N.
Identifiers: ClinVar variation 2676654 (VCV002676654.5), dbSNP rs566620411, ClinGen allele CA7662430.